The following is an entry in ClinVar:

NM_013266.4(CTNNA3):c.1915C>T (p.Leu639Phe)

Genes: CTNNA3 (catenin alpha 3; minus strand), CTNNA3-AS1 (CTNNA3 antisense RNA 1; plus strand). Cytogenetic location: 10q21.3.
Variant type: single nucleotide variant.
Coding change: c.1915C>T on transcript NM_013266.4 (MANE Select); coding-DNA position 1915, C replaced by T.
Protein change: p.Leu639Phe; replaces leucine 639 with phenylalanine.
Molecular consequence: missense variant.
Genome position (GRCh38, 1-based): chr10:66,103,219, G>A on the plus strand (C>T on the coding strand, the complement: CTNNA3 is on the minus strand). VCF-style: chr10-66103219-G-A. GRCh37 (hg19) VCF-style: chr10-67862977-G-A.
Other names: c.1915C>T, p.Leu639Phe (NM_001127384.3); short protein forms L639F.
Identifiers: ClinVar variation 3713197 (VCV003713197.2).

ClinVar aggregate classification (germline): Uncertain significance (1 of 4 stars; one submission).

Conditions:
Arrhythmogenic right ventricular dysplasia 13. Also called: Arrhythmogenic right ventricular dysplasia, familial, 13; ARRHYTHMOGENIC RIGHT VENTRICULAR CARDIOMYOPATHY 13. Identifiers: MedGen C3810138, MONDO:0000908, OMIM 615616.

gnomAD v4.1: 5 of 1,614,064 alleles (0.00031%); highest among the groups gnomAD compares: South Asian, 0.0011%; no homozygotes.

Submission:

Labcorp Genetics (formerly Invitae), Labcorp
Classification: Uncertain significance for Arrhythmogenic right ventricular dysplasia 13. Last evaluated: 2024-09-15. Review status: criteria provided, single submitter. Criteria: Invitae Variant Classification Sherloc (09022015). Collection method: clinical testing. Allele origin: germline.
Comment: This sequence change replaces leucine, which is neutral and non-polar, with phenylalanine, which is neutral and non-polar, at codon 639 of the CTNNA3 protein (p.Leu639Phe). This variant is not present in population databases (gnomAD no frequency). This variant has not been reported in the literature in individuals affected with CTNNA3-related conditions. Experimental studies and prediction algorithms are not available or were not evaluated, and the functional significance of this variant is currently unknown. In summary, the available evidence is currently insufficient to determine the role of this variant in disease. Therefore, it has been classified as a Variant of Uncertain Significance.